The following is an entry in ClinVar:

NM_000489.6(ATRX):c.4754C>T (p.Ser1585Phe)

Gene: ATRX (ATRX chromatin remodeler; minus strand). Cytogenetic location: Xq21.1.
Variant type: single nucleotide variant.
Coding change: c.4754C>T on transcript NM_000489.6 (MANE Select); coding-DNA position 4754, C replaced by T.
Protein change: p.Ser1585Phe; replaces serine 1585 with phenylalanine.
Molecular consequence: missense variant.
Genome position (GRCh38, 1-based): chrX:77,634,649, G>A on the plus strand (C>T on the coding strand, the complement: ATRX is on the minus strand). VCF-style: chrX-77634649-G-A. GRCh37 (hg19) VCF-style: chrX-76890140-G-A.
Other names: c.4640C>T, p.Ser1547Phe (NM_138270.5); short protein forms S1547F, S1585F.
Identifiers: ClinVar variation 2571775 (VCV002571775.1), dbSNP rs2148350101, ClinGen allele CA413705257.

ClinVar aggregate classification (germline): Uncertain significance (1 of 4 stars; one submission).

Allele frequency attached by ClinVar (database versions not stated): gnomAD exomes below 0.00001.
gnomAD v4.1: 1 of 1,211,417 alleles (0.000083%); highest among the groups gnomAD compares: Non-Finnish European, 0.00011%; no homozygotes.

Submission:

GeneDx
Classification: Uncertain significance. Last evaluated: 2023-01-06. Review status: criteria provided, single submitter. Criteria: GeneDx Variant Classification Process June 2021. Collection method: clinical testing. Allele origin: germline. Affected: yes.
Comment: Not observed at significant frequency in large population cohorts (gnomAD); In silico analysis supports that this missense variant has a deleterious effect on protein structure/function; Has not been previously published as pathogenic or benign to our knowledge